The following is an entry in ClinVar:

ClinVar aggregate classification (germline): Uncertain significance. Review status: criteria provided, multiple submitters, no conflicts (2 of 4 stars). 3 submissions from 3 submitters: Uncertain significance (3). Last evaluated 2025-10-29.

Conditions:
Breast-ovarian cancer, familial, susceptibility to, 4. Identifiers: Orphanet 145, MedGen C3280345, MONDO:0013669, OMIM 614291.
Hereditary cancer-predisposing syndrome. Also called: Tumor predisposition; Hereditary neoplastic syndrome; Neoplastic Syndromes, Hereditary; Hereditary Cancer Syndrome. Identifiers: Orphanet 140162, MedGen C0027672, MeSH D009386, MONDO:0015356.

Allele frequency attached by ClinVar (database versions not stated): TOPMed below 0.00001.

Submissions (3):

Labcorp Genetics (formerly Invitae), Labcorp
Classification: Uncertain significance for Breast-ovarian cancer, familial, susceptibility to, 4. Last evaluated: 2025-10-29. Review status: criteria provided, single submitter. Criteria: Invitae Variant Classification Sherloc (09022015). Collection method: clinical testing. Allele origin: germline.
Comment: This sequence change replaces tyrosine, which is neutral and polar, with cysteine, which is neutral and slightly polar, at codon 47 of the RAD51D protein (p.Tyr47Cys). This variant is not present in population databases (gnomAD no frequency). This variant has not been reported in the literature in individuals affected with RAD51D-related conditions. ClinVar contains an entry for this variant (Variation ID: 819144). An algorithm developed to predict the effect of missense changes on protein structure and function (PolyPhen-2) suggests that this variant is likely to be disruptive. In summary, the available evidence is currently insufficient to determine the role of this variant in disease. Therefore, it has been classified as a Variant of Uncertain Significance.

Ambry Genetics
Classification: Uncertain significance for Hereditary cancer-predisposing syndrome. Last evaluated: 2024-12-22. Review status: criteria provided, single submitter. Criteria: Ambry Variant Classification Scheme 2023. Collection method: clinical testing. Allele origin: germline.
Comment: The p.Y47C variant (also known as c.140A>G), located in coding exon 2 of the RAD51D gene, results from an A to G substitution at nucleotide position 140. The tyrosine at codon 47 is replaced by cysteine, an amino acid with highly dissimilar properties. This amino acid position is highly conserved in available vertebrate species. In addition, this alteration is predicted to be deleterious by in silico analysis. Since supporting evidence is limited at this time, the clinical significance of this alteration remains unclear.

GeneDx
Classification: Uncertain significance. Last evaluated: 2023-03-29. Review status: criteria provided, single submitter. Criteria: GeneDx Variant Classification Process June 2021. Collection method: clinical testing. Allele origin: germline. Affected: yes.
Comment: Not observed at significant frequency in large population cohorts (gnomAD); In silico analysis supports that this missense variant has a deleterious effect on protein structure/function; Has not been previously published as pathogenic or benign to our knowledge; This variant is associated with the following publications: (PMID: 21111057)

NM_002878.4(RAD51D):c.140A>G (p.Tyr47Cys)

Genes: RAD51L3-RFFL (RAD51L3-RFFL readthrough; minus strand), RAD51D (RAD51 paralog D; minus strand). Cytogenetic location: 17q12.
Variant type: single nucleotide variant.
Coding change: c.140A>G on transcript NM_002878.4 (MANE Select); coding-DNA position 140, A replaced by G.
Protein change: p.Tyr47Cys; replaces tyrosine 47 with cysteine.
Molecular consequence: missense variant. On other transcripts: non-coding transcript variant (2).
Genome position (GRCh38, 1-based): chr17:35,119,115, T>C on the plus strand (A>G on the coding strand, the complement: RAD51D is on the minus strand). VCF-style: chr17-35119115-T-C. GRCh37 (hg19) VCF-style: chr17-33446134-T-C.
Other names: c.140A>G, p.Tyr47Cys (NM_001142571.2, NM_133629.3); short protein forms Y47C.
Identifiers: ClinVar variation 819144 (VCV000819144.14), dbSNP rs776528342, ClinGen allele CA399091754.